The following is an entry in ClinVar:

ClinVar aggregate classification (germline): Uncertain significance. Review status: criteria provided, multiple submitters, no conflicts (2 of 4 stars). 4 submissions from 4 submitters: Uncertain significance (3). 1 of the submissions does not count toward it. Last evaluated 2026-06-13.

Conditions:
Usher syndrome type 1F (USH1F). Also called: USHER SYNDROME, TYPE IF. Identifiers: Orphanet 231169, Orphanet 886, MedGen C1865885, MONDO:0011186, OMIM 602083.
Autosomal recessive nonsyndromic hearing loss 23. Identifiers: Orphanet 90636, MedGen C1836027, MONDO:0012293, OMIM 609533.
Usher syndrome type 1D (USH1D). Also called: USHER SYNDROME, TYPE ID. Identifiers: Orphanet 231169, Orphanet 886, MedGen C1832845, MONDO:0010984, OMIM 601067.

gnomAD v4.1: 15 of 1,614,048 alleles (0.00093%); highest among the groups gnomAD compares: East Asian, 0.0045%; no homozygotes.

Submissions (4):

Foundation for Research in Genetics and Endocrinology, FRIGE's Institute of Human Genetics
Classification: Uncertain significance for Autosomal recessive nonsyndromic hearing loss 23. Last evaluated: 2026-06-13. Review status: criteria provided, single submitter. Criteria: ACMG Guidelines, 2015. Collection method: clinical testing. Allele origin: germline. Inheritance: Autosomal recessive inheritance. Affected: yes. Observed: 1 variant allele, 1 homozygote.
Comment: A homozygous missense variant in exon 30 of the PCDH15 gene that results in the amino acid substitution of Aspartic acid for Alanine at codon 1376 (p.Ala1376Asp) was detected. The variant has not been reported in the 1000 genomes, gnomAD (v3.1) and topmed databases and has a minor allele frequency of 0.001% in the gnomAD (v2.1) databases. The in-silico predictions of the variant is damaging by SIFT. The reference codon is conserved across species. In summary, the variant meets our criteria to be classified as variant of uncertain significance.

Broad Center for Mendelian Genomics, Broad Institute of MIT and Harvard
Classification: Uncertain significance for Usher syndrome type 1F. Last evaluated: 2023-01-24. Review status: criteria provided, single submitter. Criteria: ACMG Guidelines, 2015. Collection method: curation. Allele origin: germline. Inheritance: Autosomal recessive inheritance.
Comment: The p.Ala1376Asp variant in PCDH15 has been reported in 1 individual, in the compound heterozygous state, with Usher syndrome type 1F (PMID: 28000701) and has been identified in 0.005% (1/18394) of East Asian chromosomes by the Genome Aggregation Database (gnomAD; dbSNP ID: rs752371584). Although this variant has been seen in the general population in a heterozygous state, its frequency is low enough to be consistent with a recessive carrier frequency. This variant has also been reported in ClinVar (Variation ID#: 554510) and has been interpreted as a variant of uncertain significance by Counsyl. Computational prediction tools and conservation analyses do not provide strong support for or against an impact to the protein. In summary, the clinical significance of the p.Ala1376Asp variant is uncertain. ACMG/AMP Criteria applied: PM2_supporting, PM3 (Richards 2015).

Fulgent Genetics
Classification: Uncertain significance for Usher syndrome type 1D; Usher syndrome type 1F; Autosomal recessive nonsyndromic hearing loss 23. Last evaluated: 2021-10-20. Review status: criteria provided, single submitter. Criteria: ACMG Guidelines, 2015. Collection method: clinical testing. Allele origin: unknown.

Counsyl
Classification: Uncertain significance for Usher syndrome type 1F. Last evaluated: 2017-10-24. Review status: no assertion criteria provided. Collection method: clinical testing. Allele origin: unknown. Not counted in ClinVar's aggregate classification.

Literature cited by the submitters: PubMed 28000701 (cited by Counsyl).

NM_001384140.1(PCDH15):c.4127C>A (p.Ala1376Asp)

Gene: PCDH15 (protocadherin related 15; minus strand). Cytogenetic location: 10q21.1.
Variant type: single nucleotide variant.
Coding change: c.4127C>A on transcript NM_001384140.1 (MANE Select); coding-DNA position 4127, C replaced by A.
Protein change: p.Ala1376Asp; replaces alanine 1376 with aspartic acid.
Molecular consequence: missense variant.
Genome position (GRCh38, 1-based): chr10:53,831,390, G>T on the plus strand (C>A on the coding strand, the complement: PCDH15 is on the minus strand). VCF-style: chr10-53831390-G-T. GRCh37 (hg19) VCF-style: chr10-55591150-G-T.
Other names: NM_001384140.1(PCDH15):c.4127C>A; p.Ala1376Asp; c.4142C>A, p.Ala1381Asp (NM_001142763.2, NM_001142771.2); c.4127C>A, p.Ala1376Asp (NM_001142764.2, NM_001142766.2, NM_001142770.3 and 4 more transcripts); c.3914C>A, p.Ala1305Asp (NM_001142765.2); c.4016C>A, p.Ala1339Asp (NM_001142767.2); c.4061C>A, p.Ala1354Asp (NM_001142768.2, NM_001142773.2, NM_001354404.2); c.4163C>A, p.Ala1388Asp (NM_001142769.4); and 1 more; short protein forms A1376D, A1339D, A1383D, A1381D, A1305D, A1354D, A1388D.
Identifiers: ClinVar variation 554510 (VCV000554510.6), dbSNP rs752371584, ClinGen allele CA376528329.